The following is an entry in ClinVar:

ClinVar aggregate classification (germline): Pathogenic/Likely pathogenic. Review status: criteria provided, multiple submitters, no conflicts (2 of 4 stars). 4 submissions from 4 submitters: Pathogenic (3); Likely pathogenic (1). Last evaluated 2025-11-09.

Conditions:
Fanconi anemia complementation group O. Also called: RAD51C-Related Fanconi Anemia. Identifiers: Orphanet 84, MedGen C3150653, MONDO:0013248, OMIM 613390.
Hereditary cancer-predisposing syndrome. Also called: Hereditary neoplastic syndrome; Neoplastic Syndromes, Hereditary; Tumor predisposition; Hereditary Cancer Syndrome. Identifiers: Orphanet 140162, MedGen C0027672, MeSH D009386, MONDO:0015356.
Breast-ovarian cancer, familial, susceptibility to, 3. Also called: RAD51C-Related Breast/Ovarian Cancer. Identifiers: Orphanet 145, MedGen C3150659, MONDO:0013253, OMIM 613399.

Submissions (4):

Labcorp Genetics (formerly Invitae), Labcorp
Classification: Pathogenic for Fanconi anemia complementation group O. Last evaluated: 2025-11-09. Review status: criteria provided, single submitter. Criteria: Invitae Variant Classification Sherloc (09022015). Collection method: clinical testing. Allele origin: germline.
Comment: This sequence change creates a premature translational stop signal (p.Met286Serfs*7) in the RAD51C gene. It is expected to result in an absent or disrupted protein product. Loss-of-function variants in RAD51C are known to be pathogenic (PMID: 20400964, 21990120, 24800917, 29278735). This variant is not present in population databases (gnomAD no frequency). This variant has not been reported in the literature in individuals affected with RAD51C-related conditions. ClinVar contains an entry for this variant (Variation ID: 480496). For these reasons, this variant has been classified as Pathogenic.

Myriad Genetics, Inc.
Classification: Pathogenic for Breast-ovarian cancer, familial, susceptibility to, 3. Last evaluated: 2024-01-03. Review status: criteria provided, single submitter. Criteria: Myriad Autosomal Dominant, Autosomal Recessive and X-Linked Classification Criteria (2023). Collection method: clinical testing. Allele origin: unknown.
Comment: This variant is considered pathogenic. This variant creates a frameshift predicted to result in premature protein truncation.

Baylor Genetics
Classification: Likely pathogenic for Breast-ovarian cancer, familial, susceptibility to, 3. Last evaluated: 2022-10-20. Review status: criteria provided, single submitter. Criteria: ACMG Guidelines, 2015. Collection method: clinical testing. Allele origin: unknown.

Ambry Genetics
Classification: Pathogenic for Hereditary cancer-predisposing syndrome. Last evaluated: 2022-04-21. Review status: criteria provided, single submitter. Criteria: Ambry Variant Classification Scheme 2023. Collection method: clinical testing. Allele origin: germline.
Comment: The c.851_854dupATCA pathogenic mutation, located in coding exon 6 of the RAD51C gene, results from a duplication of ATCA at nucleotide position 851, causing a translational frameshift with a predicted alternate stop codon (p.M286Sfs*7). This alteration is expected to result in loss of function by premature protein truncation or nonsense-mediated mRNA decay. As such, this alteration is interpreted as a disease-causing mutation.

Literature cited by the submitters: PubMed 20400964 (cited by Labcorp Genetics (formerly Invitae), Labcorp); PubMed 21990120 (cited by Labcorp Genetics (formerly Invitae), Labcorp); PubMed 24800917 (cited by Labcorp Genetics (formerly Invitae), Labcorp); PubMed 29278735 (cited by Labcorp Genetics (formerly Invitae), Labcorp).

NM_058216.3(RAD51C):c.851_854dup (p.Met286fs)

Gene: RAD51C (RAD51 paralog C; plus strand). Cytogenetic location: 17q22.
Variant type: Duplication.
Coding change: c.851_854dup on transcript NM_058216.3 (MANE Select); coding-DNA positions 851 to 854, 4 bases duplicated (ATCA; older notation c.851_854dupATCA).
Protein change: p.Met286fs; shifts the reading frame from methionine 286.
Molecular consequence: frameshift variant. On other transcripts: non-coding transcript variant (1).
Genome position (GRCh38, 1-based): chr17:58,720,759-58,720,762, ATCA duplicated; duplicating any 4 consecutive bases within chr17:58,720,757-58,720,762 gives the same sequence; the c. name uses the placement nearest the transcript's 3' end. VCF-style (leftmost placement, unchanged base first): chr17-58720756-C-CCAAT. GRCh37 (hg19) VCF-style: chr17-56798117-C-CCAAT.
Other names: c.851_854dupATCA (NM_058216.1); short protein forms M286fs.
Identifiers: ClinVar variation 480496 (VCV000480496.7), dbSNP rs1060502605, ClinGen allele CA658658625.